The following is an entry in ClinVar:

NM_005898.5(CAPRIN1):c.1582C>A (p.Pro528Thr)

Gene: CAPRIN1 (cell cycle associated protein 1; plus strand). Cytogenetic location: 11p13.
Variant type: single nucleotide variant.
Coding change: c.1582C>A on transcript NM_005898.5 (MANE Select); coding-DNA position 1582, C replaced by A.
Protein change: p.Pro528Thr; replaces proline 528 with threonine.
Molecular consequence: missense variant.
Genome position (GRCh38, 1-based): chr11:34,091,933, C>A. VCF-style: chr11-34091933-C-A. GRCh37 (hg19) VCF-style: chr11-34113480-C-A.
Other names: c.1582C>A, p.Pro528Thr (NM_203364.3); short protein forms P528T.
Identifiers: ClinVar variation 3363917 (VCV003363917.5).

ClinVar aggregate classification (germline): Uncertain significance. Review status: criteria provided, multiple submitters, no conflicts (2 of 4 stars). 2 submissions from 2 submitters: Uncertain significance (2). Last evaluated 2026-03-01.

gnomAD v4.1: 1 of 1,613,670 alleles (0.000062%); highest among the groups gnomAD compares: Non-Finnish European, 0.000085%; no homozygotes.

Submissions (2):

CeGaT Center for Human Genetics Tuebingen
Classification: Uncertain significance. Last evaluated: 2026-03-01. Review status: criteria provided, single submitter. Criteria: CeGaT Center For Human Genetics Tuebingen Variant Classification Criteria Version 2. Collection method: clinical testing. Allele origin: germline. Affected: yes. Observed: 1 variant allele.
Comment: CAPRIN1: PM2:Supporting

GeneDx
Classification: Uncertain significance. Last evaluated: 2023-11-07. Review status: criteria provided, single submitter. Criteria: GeneDx Variant Classification Process June 2021. Collection method: clinical testing. Allele origin: germline. Affected: yes.
Comment: Not observed at significant frequency in large population cohorts (gnomAD); In silico analysis supports that this missense variant has a deleterious effect on protein structure/function; Has not been previously published as pathogenic or benign to our knowledge